The following is an entry in ClinVar:

NM_016277.5(RAB23):c.-6C>T

Gene: RAB23 (RAB23, member RAS oncogene family; minus strand). Cytogenetic location: 6p11.2.
Variant type: single nucleotide variant.
Coding change: c.-6C>T on transcript NM_016277.5 (MANE Select); 6 bases upstream of the start codon, C replaced by T.
Molecular consequence: 5 prime UTR variant. On other transcripts: non-coding transcript variant (1).
Genome position (GRCh38, 1-based): chr6:57,210,386, G>A on the plus strand (C>T on the coding strand, the complement: RAB23 is on the minus strand). VCF-style: chr6-57210386-G-A. GRCh37 (hg19) VCF-style: chr6-57075184-G-A.
Other names: c.-6C>T (NM_001278666.2, NM_001278667.2, NM_001278668.2 and 1 more transcripts).
Identifiers: ClinVar variation 3354742 (VCV003354742.1).

ClinVar aggregate classification (germline): Likely benign (0 of 4 stars; one submission).

Conditions:
RAB23-related disorder. Also called: RAB23-related condition.

Submission:

PreventionGenetics, part of Exact Sciences
Classification: Likely benign for RAB23-related condition. Last evaluated: 2024-01-26. Review status: no assertion criteria provided. Collection method: clinical testing. Allele origin: germline.
Comment: This variant is classified as likely benign based on ACMG/AMP sequence variant interpretation guidelines (Richards et al. 2015 PMID: 25741868, with internal and published modifications).